The following is an entry in ClinVar:

ClinVar aggregate classification (germline): Likely benign. Review status: criteria provided, multiple submitters, no conflicts (2 of 4 stars). 2 submissions from 2 submitters: Likely benign (2). Last evaluated 2023-11-01.

Conditions:
Joubert syndrome. Also called: JOUBERT-BOLTSHAUSER SYNDROME; Familial aplasia of the vermis. Identifiers: Orphanet 475, MedGen C5979921, MONDO:0018772.
Meckel-Gruber syndrome. Also called: Dysencephalia splachnocystica; DYSENCEPHALIA SPLANCHNOCYSTICA; GRUBER SYNDROME. Identifiers: Orphanet 564, MedGen C0265215, MONDO:0018921.

gnomAD v4.1: 3 of 1,614,124 alleles (0.00019%); highest among the groups gnomAD compares: South Asian, 0.0022%; no homozygotes.

Submissions (2):

CeGaT Center for Human Genetics Tuebingen
Classification: Likely benign. Last evaluated: 2023-11-01. Review status: criteria provided, single submitter. Criteria: CeGaT Center For Human Genetics Tuebingen Variant Classification Criteria Version 2. Collection method: clinical testing. Allele origin: germline. Affected: yes. Observed: 1 variant allele.
Comment: RPGRIP1L: PM2:Supporting, BP4, BP7

Labcorp Genetics (formerly Invitae), Labcorp
Classification: Likely benign for Joubert syndrome; Meckel-Gruber syndrome. Last evaluated: 2022-11-01. Review status: criteria provided, single submitter. Criteria: Invitae Variant Classification Sherloc (09022015). Collection method: clinical testing. Allele origin: germline.

NM_015272.5(RPGRIP1L):c.3555G>A (p.Glu1185=)

Gene: RPGRIP1L (RPGRIP1 like; minus strand). Cytogenetic location: 16q12.2.
Variant type: single nucleotide variant.
Coding change: c.3555G>A on transcript NM_015272.5 (MANE Select); coding-DNA position 3555, G replaced by A.
Protein change: p.Glu1185=; no amino-acid change (glutamic acid 1185 retained).
Molecular consequence: synonymous variant.
Genome position (GRCh38, 1-based): chr16:53,619,086, C>T on the plus strand (G>A on the coding strand, the complement: RPGRIP1L is on the minus strand). VCF-style: chr16-53619086-C-T. GRCh37 (hg19) VCF-style: chr16-53652998-C-T.
Other names: c.3315G>A, p.Glu1105= (NM_001127897.4); c.3417G>A, p.Glu1139= (NM_001308334.3); c.3453G>A, p.Glu1151= (NM_001330538.2).
Identifiers: ClinVar variation 1129948 (VCV001129948.32), dbSNP rs2150964438, ClinGen allele CA495537565.